The following is an entry in ClinVar:

NM_001164665.2(KIAA1549):c.916G>A (p.Glu306Lys)

Gene: KIAA1549 (KIAA1549; minus strand). Cytogenetic location: 7q34.
Variant type: single nucleotide variant.
Coding change: c.916G>A on transcript NM_001164665.2 (MANE Select); coding-DNA position 916, G replaced by A.
Protein change: p.Glu306Lys; replaces glutamic acid 306 with lysine.
Molecular consequence: missense variant.
Genome position (GRCh38, 1-based): chr7:138,918,710, C>T on the plus strand (G>A on the coding strand, the complement: KIAA1549 is on the minus strand). VCF-style: chr7-138918710-C-T. GRCh37 (hg19) VCF-style: chr7-138603456-C-T.
Other names: c.916G>A, p.Glu306Lys (NM_020910.3); short protein forms E306K.
Identifiers: ClinVar variation 1346234 (VCV001346234.6), dbSNP rs2130482418, ClinGen allele CA369401334.

ClinVar aggregate classification (germline): Uncertain significance (1 of 4 stars; one submission).

Allele frequency attached by ClinVar (database versions not stated): gnomAD exomes below 0.00001.
gnomAD v4.1: 1 of 1,613,776 alleles (0.000062%); highest among the groups gnomAD compares: Non-Finnish European, 0.000085%; no homozygotes.

Submission:

Labcorp Genetics (formerly Invitae), Labcorp
Classification: Uncertain significance. Last evaluated: 2021-11-11. Review status: criteria provided, single submitter. Criteria: Invitae Variant Classification Sherloc (09022015). Collection method: clinical testing. Allele origin: germline.
Comment: In summary, the available evidence is currently insufficient to determine the role of this variant in disease. Therefore, it has been classified as a Variant of Uncertain Significance. Algorithms developed to predict the effect of missense changes on protein structure and function are either unavailable or do not agree on the potential impact of this missense change (SIFT: "Deleterious"; PolyPhen-2: "Benign"; Align-GVGD: "Class C0"). This variant has not been reported in the literature in individuals affected with KIAA1549-related conditions. This variant is not present in population databases (gnomAD no frequency). This sequence change replaces glutamic acid, which is acidic and polar, with lysine, which is basic and polar, at codon 306 of the KIAA1549 protein (p.Glu306Lys).